The following is an entry in ClinVar:

ClinVar aggregate classification (germline): Uncertain significance (1 of 4 stars; one submission).

Conditions:
Werner syndrome (WRN). Identifiers: Orphanet 902, MedGen C0043119, MONDO:0010196, OMIM 277700.

Submission:

Labcorp Genetics (formerly Invitae), Labcorp
Classification: Uncertain significance for Werner syndrome. Last evaluated: 2024-04-05. Review status: criteria provided, single submitter. Criteria: Invitae Variant Classification Sherloc (09022015). Collection method: clinical testing. Allele origin: germline.
Comment: This sequence change replaces asparagine, which is neutral and polar, with serine, which is neutral and polar, at codon 381 of the WRN protein (p.Asn381Ser). This variant is not present in population databases (gnomAD no frequency). This variant has not been reported in the literature in individuals affected with WRN-related conditions. ClinVar contains an entry for this variant (Variation ID: 1040751). Algorithms developed to predict the effect of missense changes on protein structure and function output the following: SIFT: "Not Available"; PolyPhen-2: "Benign"; Align-GVGD: "Not Available". The serine amino acid residue is found in multiple mammalian species, which suggests that this missense change does not adversely affect protein function. In summary, the available evidence is currently insufficient to determine the role of this variant in disease. Therefore, it has been classified as a Variant of Uncertain Significance.

NM_000553.6(WRN):c.1142A>G (p.Asn381Ser)

Gene: WRN (WRN RecQ like helicase; plus strand). Cytogenetic location: 8p12.
Variant type: single nucleotide variant.
Coding change: c.1142A>G on transcript NM_000553.6 (MANE Select); coding-DNA position 1142, A replaced by G.
Protein change: p.Asn381Ser; replaces asparagine 381 with serine.
Molecular consequence: missense variant.
Genome position (GRCh38, 1-based): chr8:31,081,169, A>G. VCF-style: chr8-31081169-A-G. GRCh37 (hg19) VCF-style: chr8-30938685-A-G.
Other names: short protein forms N381S.
Identifiers: ClinVar variation 1040751 (VCV001040751.3), dbSNP rs1813295114, ClinGen allele CA370920935.